The following is an entry in ClinVar:

NM_005751.5(AKAP9):c.1775A>C (p.Glu592Ala)

Gene: AKAP9 (A-kinase anchoring protein 9; plus strand). Cytogenetic location: 7q21.2.
Variant type: single nucleotide variant.
Coding change: c.1775A>C on transcript NM_005751.5 (MANE Select); coding-DNA position 1775, A replaced by C.
Protein change: p.Glu592Ala; replaces glutamic acid 592 with alanine.
Molecular consequence: missense variant.
Genome position (GRCh38, 1-based): chr7:92,001,692, A>C. VCF-style: chr7-92001692-A-C. GRCh37 (hg19) VCF-style: chr7-91631006-A-C.
Other names: c.1775A>C, p.Glu592Ala (NM_147185.3); short protein forms E592A.
Identifiers: ClinVar variation 2090007 (VCV002090007.5), dbSNP rs2484691193, ClinGen allele CA368122557.

ClinVar aggregate classification (germline): Uncertain significance. Review status: criteria provided, multiple submitters, no conflicts (2 of 4 stars). 2 submissions from 2 submitters: Uncertain significance (2). Last evaluated 2024-05-19.

Conditions:
Cardiovascular phenotype. Identifiers: MedGen CN230736.
Long QT syndrome (LQTS). Identifiers: MedGen C0023976, MeSH D008133, MONDO:0002442. Disease mechanism: loss of function. Inheritance: Various modes of inheritance.

Submissions (2):

Ambry Genetics
Classification: Uncertain significance for Cardiovascular phenotype. Last evaluated: 2024-05-19. Review status: criteria provided, single submitter. Criteria: Ambry Variant Classification Scheme 2023. Collection method: clinical testing. Allele origin: germline.
Comment: The p.E592A variant (also known as c.1775A>C), located in coding exon 8 of the AKAP9 gene, results from an A to C substitution at nucleotide position 1775. The glutamic acid at codon 592 is replaced by alanine, an amino acid with dissimilar properties. This amino acid position is conserved. In addition, the in silico prediction for this alteration is inconclusive. Based on the available evidence, the clinical significance of this variant remains unclear.

Labcorp Genetics (formerly Invitae), Labcorp
Classification: Uncertain significance for Long QT syndrome. Last evaluated: 2022-01-26. Review status: criteria provided, single submitter. Criteria: Invitae Variant Classification Sherloc (09022015). Collection method: clinical testing. Allele origin: germline.
Comment: In summary, the available evidence is currently insufficient to determine the role of this variant in disease. Therefore, it has been classified as a Variant of Uncertain Significance. Algorithms developed to predict the effect of missense changes on protein structure and function are either unavailable or do not agree on the potential impact of this missense change (SIFT: "Deleterious"; PolyPhen-2: "Probably Damaging"; Align-GVGD: "Class C0"). This variant has not been reported in the literature in individuals affected with AKAP9-related conditions. This variant is not present in population databases (gnomAD no frequency). This sequence change replaces glutamic acid, which is acidic and polar, with alanine, which is neutral and non-polar, at codon 592 of the AKAP9 protein (p.Glu592Ala).